The following is an entry in ClinVar:

ClinVar aggregate classification (germline): Uncertain significance (1 of 4 stars; one submission).

Conditions:
Glycogen storage disease, type II (IOPD). Also called: Glucosidase acid-1,4-alpha deficiency; Pompe Disease; POMPE DISEASE, INFANTILE-ONSET; GLYCOGEN STORAGE DISEASE II, INFANTILE-ONSET; ACID ALPHA-GLUCOSIDASE DEFICIENCY, INFANTILE-ONSET; GAA DEFICIENCY, INFANTILE-ONSET. Identifiers: Orphanet 365, MedGen C0017921, MONDO:0009290, OMIM 232300.

Submission:

Labcorp Genetics (formerly Invitae), Labcorp
Classification: Uncertain significance for Glycogen storage disease, type II. Last evaluated: 2023-08-04. Review status: criteria provided, single submitter. Criteria: Invitae Variant Classification Sherloc (09022015). Collection method: clinical testing. Allele origin: germline.
Comment: In summary, the available evidence is currently insufficient to determine the role of this variant in disease. Therefore, it has been classified as a Variant of Uncertain Significance. Advanced modeling of protein sequence and biophysical properties (such as structural, functional, and spatial information, amino acid conservation, physicochemical variation, residue mobility, and thermodynamic stability) performed at Invitae indicates that this missense variant is expected to disrupt GAA protein function. ClinVar contains an entry for this variant (Variation ID: 1361550). This variant has not been reported in the literature in individuals affected with GAA-related conditions. This variant is not present in population databases (gnomAD no frequency). This sequence change replaces proline, which is neutral and non-polar, with serine, which is neutral and polar, at codon 326 of the GAA protein (p.Pro326Ser).

NM_000152.5(GAA):c.976C>T (p.Pro326Ser)

Gene: GAA (alpha glucosidase; plus strand). Cytogenetic location: 17q25.3.
Variant type: single nucleotide variant.
Coding change: c.976C>T on transcript NM_000152.5 (MANE Select); coding-DNA position 976, C replaced by T.
Protein change: p.Pro326Ser; replaces proline 326 with serine.
Molecular consequence: missense variant.
Genome position (GRCh38, 1-based): chr17:80,108,310, C>T. VCF-style: chr17-80108310-C-T. GRCh37 (hg19) VCF-style: chr17-78082109-C-T.
Other names: c.976C>T, p.Pro326Ser (NM_001079803.3, NM_001079804.3); short protein forms P326S.
Identifiers: ClinVar variation 1361550 (VCV001361550.6), dbSNP rs2039142344, ClinGen allele CA401364442.